The following is an entry in ClinVar:

ClinVar aggregate classification (germline): Uncertain significance (1 of 4 stars; one submission).

Conditions:
TWIST1-related craniosynostosis (CRS1). Also called: CRANIOSYNOSTOSIS 1. Identifiers: Orphanet 63440, MedGen C4551902, MONDO:0007399, OMIM 123100. Inheritance: Heterogenous inheritance pattern.
Saethre-Chotzen syndrome (SCS). Also called: ACROCEPHALY, SKULL ASYMMETRY, AND MILD SYNDACTYLY; ACS III; CHOTZEN SYNDROME. Identifiers: Orphanet 794, MedGen C0175699, MONDO:0007042, OMIM 101400.

Submission:

Labcorp Genetics (formerly Invitae), Labcorp
Classification: Uncertain significance for TWIST1-related craniosynostosis; Saethre-Chotzen syndrome. Last evaluated: 2023-11-13. Review status: criteria provided, single submitter. Criteria: Invitae Variant Classification Sherloc (09022015). Collection method: clinical testing. Allele origin: germline.
Comment: This variant, c.280_285dup, results in the insertion of 2 amino acid(s) of the TWIST1 protein (p.Ser94_Ser95dup), but otherwise preserves the integrity of the reading frame. This variant is not present in population databases (gnomAD no frequency). This variant has not been reported in the literature in individuals affected with TWIST1-related conditions. Experimental studies and prediction algorithms are not available or were not evaluated, and the functional significance of this variant is currently unknown. In summary, the available evidence is currently insufficient to determine the role of this variant in disease. Therefore, it has been classified as a Variant of Uncertain Significance.

NM_000474.4(TWIST1):c.277AGC[5] (p.Ser95_Gly96insSerSer)

Gene: TWIST1 (twist family bHLH transcription factor 1; minus strand). Cytogenetic location: 7p21.1.
Variant type: Microsatellite.
Coding change: c.277AGC[5] on transcript NM_000474.4 (MANE Select); five copies in a row of the 3-base unit AGC starting at c.277; the reference has three copies in a row; two copies, 6 bases duplicated.
Protein change: p.Ser95_Gly96insSerSer.
Molecular consequence: inframe insertion. On other transcripts: non-coding transcript variant (1).
Genome position (GRCh38, 1-based): chr7:19,117,037-19,117,042, GCTGCT duplicated on the plus strand (AGCAGC on the coding strand, the reverse complement: TWIST1 is on the minus strand); duplicating any 6 consecutive bases within chr7:19,117,037-19,117,047 gives the same sequence; the position shown is the placement nearest the transcript's 3' end. VCF-style (leftmost placement, unchanged base first): chr7-19117036-C-CGCTGCT. GRCh37 (hg19) VCF-style: chr7-19156659-C-CGCTGCT.
Identifiers: ClinVar variation 2924844 (VCV002924844.3), dbSNP rs771484889, ClinGen allele CA1692250867.